The following is an entry in ClinVar:

ClinVar aggregate classification (germline): Likely benign (0 of 4 stars; one submission).

Conditions:
PLXNA2-related disorder. Also called: PLXNA2-related condition.

Submission:

PreventionGenetics, part of Exact Sciences
Classification: Likely benign for PLXNA2-related condition. Last evaluated: 2024-02-07. Review status: no assertion criteria provided. Collection method: clinical testing. Allele origin: germline.
Comment: This variant is classified as likely benign based on ACMG/AMP sequence variant interpretation guidelines (Richards et al. 2015 PMID: 25741868, with internal and published modifications).

NM_025179.4(PLXNA2):c.5055+4A>T

Gene: PLXNA2 (plexin A2; minus strand). Cytogenetic location: 1q32.2.
Variant type: single nucleotide variant.
Coding change: c.5055+4A>T on transcript NM_025179.4 (MANE Select); 4 bases into the intron after coding-DNA position 5055, A replaced by T.
Molecular consequence: intron variant.
Genome position (GRCh38, 1-based): chr1:208,033,315, T>A on the plus strand (A>T on the coding strand, the complement: PLXNA2 is on the minus strand). VCF-style: chr1-208033315-T-A. GRCh37 (hg19) VCF-style: chr1-208206660-T-A.
Identifiers: ClinVar variation 3349907 (VCV003349907.1).
Genomic context (GRCh38, chr1:208,033,315, plus strand): 5'-TTGTGGAGGGGCAGGATGTGCTCCTTTAACAAGCACTCCCTGGTCTGGGCAGAGGGGGAG[T>A]TACCTTGGTGGCCAGTAGCCGGGTCAGGTAGATCTCGGACACCATCTTGCTGCCCCGGTC-3'